The following is an entry in ClinVar:

ClinVar aggregate classification (germline): Uncertain significance. Review status: criteria provided, multiple submitters, no conflicts (2 of 4 stars). 2 submissions from 2 submitters: Uncertain significance (2). Last evaluated 2025-06-22.

Conditions:
Neuroblastoma, susceptibility to, 3. Also called: ALK-Related Neuroblastic Tumor Susceptibility. Identifiers: Orphanet 635, MedGen C2751681, MONDO:0013083, OMIM 613014.
Hereditary cancer-predisposing syndrome. Also called: Tumor predisposition; Neoplastic Syndromes, Hereditary; Hereditary Cancer Syndrome; Hereditary neoplastic syndrome. Identifiers: Orphanet 140162, MedGen C0027672, MeSH D009386, MONDO:0015356.

Submissions (2):

Labcorp Genetics (formerly Invitae), Labcorp
Classification: Uncertain significance for Neuroblastoma, susceptibility to, 3. Last evaluated: 2025-06-22. Review status: criteria provided, single submitter. Criteria: Invitae Variant Classification Sherloc (09022015). Collection method: clinical testing. Allele origin: germline.
Comment: This sequence change replaces threonine, which is neutral and polar, with isoleucine, which is neutral and non-polar, at codon 1117 of the ALK protein (p.Thr1117Ile). This variant is not present in population databases (gnomAD no frequency). This variant has not been reported in the literature in individuals affected with ALK-related conditions. ClinVar contains an entry for this variant (Variation ID: 1060098). An algorithm developed to predict the effect of missense changes on protein structure and function (PolyPhen-2) suggests that this variant is likely to be tolerated. In summary, the available evidence is currently insufficient to determine the role of this variant in disease. Therefore, it has been classified as a Variant of Uncertain Significance.

Ambry Genetics
Classification: Uncertain significance for Hereditary cancer-predisposing syndrome. Last evaluated: 2024-02-27. Review status: criteria provided, single submitter. Criteria: Ambry Variant Classification Scheme 2023. Collection method: clinical testing. Allele origin: germline.
Comment: The p.T1117I variant (also known as c.3350C>T), located in coding exon 20 of the ALK gene, results from a C to T substitution at nucleotide position 3350. The threonine at codon 1117 is replaced by isoleucine, an amino acid with similar properties. This amino acid position is not well conserved in available vertebrate species. In addition, the in silico prediction for this alteration is inconclusive. Based on the available evidence, the clinical significance of this alteration remains unclear.

NM_004304.5(ALK):c.3350C>T (p.Thr1117Ile)

Gene: ALK (ALK receptor tyrosine kinase; minus strand). Cytogenetic location: 2p23.2.
Variant type: single nucleotide variant.
Coding change: c.3350C>T on transcript NM_004304.5 (MANE Select); coding-DNA position 3350, C replaced by T.
Protein change: p.Thr1117Ile; replaces threonine 1117 with isoleucine.
Molecular consequence: missense variant.
Genome position (GRCh38, 1-based): chr2:29,223,351, G>A on the plus strand (C>T on the coding strand, the complement: ALK is on the minus strand). VCF-style: chr2-29223351-G-A. GRCh37 (hg19) VCF-style: chr2-29446217-G-A.
Other names: c.146C>T, p.Thr49Ile (NM_001353765.2); short protein forms T1117I, T49I.
Identifiers: ClinVar variation 1060098 (VCV001060098.11), dbSNP rs1669859051, ClinGen allele CA346464626.